The following is an entry in ClinVar:

ClinVar aggregate classification (germline): Uncertain significance (1 of 4 stars; one submission).

Conditions:
Congenital myasthenic syndrome 8. Also called: MYASTHENIC SYNDROME, CONGENITAL, DUE TO AGRIN DEFICIENCY; Myasthenic syndrome, congenital, 8, with pre- and postsynaptic defects. Identifiers: Orphanet 590, MedGen C3808739, MONDO:0014052, OMIM 615120.

Allele frequency attached by ClinVar (database versions not stated): TOPMed 0.00001.
gnomAD v4.1: 5 of 1,543,966 alleles (0.00032%); highest among the groups gnomAD compares: East Asian, 0.012%; no homozygotes.

Submission:

Labcorp Genetics (formerly Invitae), Labcorp
Classification: Uncertain significance for Congenital myasthenic syndrome 8. Last evaluated: 2022-02-05. Review status: criteria provided, single submitter. Criteria: Invitae Variant Classification Sherloc (09022015). Collection method: clinical testing. Allele origin: germline.
Comment: In summary, the available evidence is currently insufficient to determine the role of this variant in disease. Therefore, it has been classified as a Variant of Uncertain Significance. Variants that disrupt the consensus splice site are a relatively common cause of aberrant splicing (PMID: 17576681, 9536098). Algorithms developed to predict the effect of sequence changes on RNA splicing suggest that this variant is not likely to affect RNA splicing. This variant has not been reported in the literature in individuals affected with AGRN-related conditions. The frequency data for this variant in the population databases is considered unreliable, as metrics indicate poor data quality at this position in the gnomAD database. This sequence change falls in intron 5 of the AGRN gene. It does not directly change the encoded amino acid sequence of the AGRN protein. It affects a nucleotide within the consensus splice site.

Literature cited by the submitters: PubMed 17576681; PubMed 9536098.

NM_198576.4(AGRN):c.952+6C>T

Gene: AGRN (agrin; plus strand). Cytogenetic location: 1p36.33.
Variant type: single nucleotide variant.
Coding change: c.952+6C>T on transcript NM_198576.4 (MANE Select); 6 bases into the intron after coding-DNA position 952, C replaced by T.
Molecular consequence: intron variant.
Genome position (GRCh38, 1-based): chr1:1,041,403, C>T. VCF-style: chr1-1041403-C-T. GRCh37 (hg19) VCF-style: chr1-976783-C-T.
Other names: c.952+6C>T (NM_001305275.2); c.637+6C>T (NM_001364727.2).
Identifiers: ClinVar variation 1493175 (VCV001493175.6), dbSNP rs980423212, ClinGen allele CA16751381.